The following is an entry in ClinVar:

ClinVar aggregate classification (germline): Benign/Likely benign. Review status: criteria provided, multiple submitters, no conflicts (2 of 4 stars). 4 submissions from 4 submitters: Benign (1); Likely benign (3). Last evaluated 2024-09-04.

Conditions:
Hereditary cancer-predisposing syndrome. Also called: Hereditary neoplastic syndrome; Tumor predisposition; Neoplastic Syndromes, Hereditary; Hereditary Cancer Syndrome. Identifiers: Orphanet 140162, MedGen C0027672, MeSH D009386, MONDO:0015356.
Familial cancer of breast. Also called: Hereditary breast cancer; BREAST CANCER, FAMILIAL; hereditary breast carcinoma. Identifiers: Orphanet 227535, MedGen C0346153, MONDO:0016419, OMIM 114480. Disease mechanism: loss of function.
Fanconi anemia complementation group J. Also called: BRIP1-Related Fanconi Anemia. Identifiers: Orphanet 84, MedGen C1836860, MONDO:0012187, OMIM 609054.

Submissions (4):

Myriad Genetics, Inc.
Classification: Benign for Familial cancer of breast. Last evaluated: 2024-09-04. Review status: criteria provided, single submitter. Criteria: Myriad Autosomal Dominant, Autosomal Recessive and X-Linked Classification Criteria (2023). Collection method: clinical testing. Allele origin: unknown.
Comment: This variant is considered benign. This variant is a silent/synonymous amino acid change and it is not expected to impact splicing.

Labcorp Genetics (formerly Invitae), Labcorp
Classification: Likely benign for Familial cancer of breast; Fanconi anemia complementation group J. Last evaluated: 2024-04-30. Review status: criteria provided, single submitter. Criteria: Invitae Variant Classification Sherloc (09022015). Collection method: clinical testing. Allele origin: germline.

Ambry Genetics
Classification: Likely benign for Hereditary cancer-predisposing syndrome. Last evaluated: 2017-11-10. Review status: criteria provided, single submitter. Criteria: Ambry Variant Classification Scheme 2023. Collection method: clinical testing. Allele origin: germline.

GeneDx
Classification: Likely benign. Last evaluated: 2015-12-22. Review status: criteria provided, single submitter. Criteria: GeneDx Variant Classification (06012015). Collection method: clinical testing. Allele origin: germline. Affected: yes.
Comment: This variant is considered likely benign or benign based on one or more of the following criteria: it is a conservative change, it occurs at a poorly conserved position in the protein, it is predicted to be benign by multiple in silico algorithms, and/or has population frequency not consistent with disease.

NM_032043.3(BRIP1):c.2386C>T (p.Leu796=)

Gene: BRIP1 (BRCA1 interacting DNA helicase 1; minus strand). Cytogenetic location: 17q23.2.
Variant type: single nucleotide variant.
Coding change: c.2386C>T on transcript NM_032043.3 (MANE Select); coding-DNA position 2386, C replaced by T.
Protein change: p.Leu796=; no amino-acid change (leucine 796 retained).
Molecular consequence: synonymous variant.
Genome position (GRCh38, 1-based): chr17:61,716,057, G>A on the plus strand (C>T on the coding strand, the complement: BRIP1 is on the minus strand). VCF-style: chr17-61716057-G-A. GRCh37 (hg19) VCF-style: chr17-59793418-G-A.
Identifiers: ClinVar variation 382453 (VCV000382453.9), dbSNP rs1057521362, ClinGen allele CA16607746.
Genomic context (GRCh38, chr17:61,716,057, plus strand): 5'-ACTGACGGCCAGGTAGAAGACCTCTCAATTTTGAATGGTGGTCATTGTATTGTCGTTTTA[G>A]TTCAACCTAATAATTTTAAAATATATTTAAAAAATTAGTAGATAATTAAAGCTCATTTTA-3'
Protein context (NP_114432.2, residues 786-806): FPNVKDLQVE[Leu796=]KRQYNDHHSK